The following is an entry in ClinVar:

ClinVar aggregate classification (germline): Uncertain significance (1 of 4 stars; one submission).

Conditions:
Combined immunodeficiency due to OX40 deficiency. Also called: Immunodeficiency 16; OX40 DEFICIENCY. Identifiers: Orphanet 431149, MedGen C3810053, MONDO:0014268, OMIM 615593.

gnomAD v4.1: 1 of 1,475,860 alleles (0.000068%); highest among the groups gnomAD compares: Non-Finnish European, 0.00009%; no homozygotes.

Submission:

Labcorp Genetics (formerly Invitae), Labcorp
Classification: Uncertain significance for Combined immunodeficiency due to OX40 deficiency. Last evaluated: 2024-07-06. Review status: criteria provided, single submitter. Criteria: Invitae Variant Classification Sherloc (09022015). Collection method: clinical testing. Allele origin: germline.
Comment: This sequence change replaces proline, which is neutral and non-polar, with serine, which is neutral and polar, at codon 143 of the TNFRSF4 protein (p.Pro143Ser). This variant is not present in population databases (gnomAD no frequency). This variant has not been reported in the literature in individuals affected with TNFRSF4-related conditions. Advanced modeling of protein sequence and biophysical properties (such as structural, functional, and spatial information, amino acid conservation, physicochemical variation, residue mobility, and thermodynamic stability) has been performed at Invitae for this missense variant, however the output from this modeling did not meet the statistical confidence thresholds required to predict the impact of this variant on TNFRSF4 protein function. In summary, the available evidence is currently insufficient to determine the role of this variant in disease. Therefore, it has been classified as a Variant of Uncertain Significance.

NM_003327.4(TNFRSF4):c.427C>T (p.Pro143Ser)

Gene: TNFRSF4 (TNF receptor superfamily member 4; minus strand). Cytogenetic location: 1p36.33.
Variant type: single nucleotide variant.
Coding change: c.427C>T on transcript NM_003327.4 (MANE Select); coding-DNA position 427, C replaced by T.
Protein change: p.Pro143Ser; replaces proline 143 with serine.
Molecular consequence: missense variant.
Genome position (GRCh38, 1-based): chr1:1,212,648, G>A on the plus strand (C>T on the coding strand, the complement: TNFRSF4 is on the minus strand). VCF-style: chr1-1212648-G-A. GRCh37 (hg19) VCF-style: chr1-1148028-G-A.
Other names: c.427C>T, p.Pro143Ser (NM_001410709.1); short protein forms P143S.
Identifiers: ClinVar variation 3658379 (VCV003658379.2).
Genomic context (GRCh38, chr1:1,212,648, plus strand): 5'-CCACCCCAACCCCCCCCCAGCCCCTCCCAGCCCCTGGCCAGGCCCCTCACTTGGTCCAGG[G>A]CTTGCAGGCCTGGTTGTCGCCTGGGGAGAAGTGCCCTGGAGGGCAGGGGGCACAGTCTGC-3'
Protein context (NP_003318.1, residues 133-153): FSPGDNQACK[Pro143Ser]WTNCTLAGKH